The following is an entry in ClinVar:

ClinVar aggregate classification (germline): Pathogenic (1 of 4 stars; one submission).

Submission:

GeneDx
Classification: Pathogenic. Last evaluated: 2026-08-14. Review status: criteria provided, single submitter. Criteria: GeneDx Variant Classification Process June 2021. Collection method: clinical testing. Allele origin: germline.
Comment: Reported as a de novo variant in a patient with a developmental disorder (PMID: 31785789); Published literature has reported p.Trp531Arg in patients with cardio-facio-cutaneous syndrome; however, the nucleotide change was not specified (PMID: 37510243, 34573299); Not observed at significant frequency in large population cohorts (gnomAD); In silico analysis supports that this missense variant has a deleterious effect on protein structure/function; Missense variants in this gene are a common cause of disease and they are underrepresented in the general population; This variant is associated with the following publications: (PMID: 34573299, 37697822, 37510243, 24957944, 15488754, 16439621, 15520807, 17603483, 29493581, 33057194, 35982159, 34854525, 31785789)

NM_004333.6(BRAF):c.1591T>A (p.Trp531Arg)

Gene: BRAF (B-Raf proto-oncogene, serine/threonine kinase; minus strand). Cytogenetic location: 7q34.
Variant type: single nucleotide variant.
Coding change: c.1591T>A on transcript NM_004333.6 (MANE Select); coding-DNA position 1591, T replaced by A.
Protein change: p.Trp531Arg; replaces tryptophan 531 with arginine.
Molecular consequence: missense variant.
Genome position (GRCh38, 1-based): chr7:140,777,015, A>T on the plus strand (T>A on the coding strand, the complement: BRAF is on the minus strand). VCF-style: chr7-140777015-A-T. GRCh37 (hg19) VCF-style: chr7-140476815-A-T.
Other names: c.1591T>A, p.Trp531Arg (NM_001354609.2, NM_001378468.1, NM_001378474.1); c.1711T>A, p.Trp571Arg (NM_001374244.1, NM_001374258.1); c.1600T>A, p.Trp534Arg (NM_001378467.1); c.1525T>A, p.Trp509Arg (NM_001378469.1); c.1489T>A, p.Trp497Arg (NM_001378470.1); c.1480T>A, p.Trp494Arg (NM_001378471.1); c.1435T>A, p.Trp479Arg (NM_001378472.1, NM_001378473.1); c.1327T>A, p.Trp443Arg (NM_001378475.1); short protein forms W443R, W479R, W494R, W497R, W509R, W531R, W534R, W571R.
Identifiers: ClinVar variation 2430770 (VCV002430770.2), dbSNP rs2129018408, ClinGen allele CA369588178.